The following is an entry in ClinVar:

ClinVar aggregate classification (germline): Uncertain significance. Review status: criteria provided, multiple submitters, no conflicts (2 of 4 stars). 2 submissions from 2 submitters: Uncertain significance (2). Last evaluated 2022-07-06.

Allele frequency attached by ClinVar (database versions not stated): gnomAD exomes below 0.00001 and 0.00002; gnomAD 0.00005 and 0.00006; TOPMed 0.00005; ExAC 0.00008.
gnomAD v4.1: 14 of 1,572,604 alleles (0.00089%); highest among the groups gnomAD compares: African/African-American, 0.015%; no homozygotes.

Submissions (2):

Labcorp Genetics (formerly Invitae), Labcorp
Classification: Uncertain significance. Last evaluated: 2022-07-06. Review status: criteria provided, single submitter. Criteria: Invitae Variant Classification Sherloc (09022015). Collection method: clinical testing. Allele origin: germline.
Comment: Advanced modeling of protein sequence and biophysical properties (such as structural, functional, and spatial information, amino acid conservation, physicochemical variation, residue mobility, and thermodynamic stability) performed at Invitae indicates that this missense variant is not expected to disrupt CNGB1 protein function. This sequence change replaces proline, which is neutral and non-polar, with threonine, which is neutral and polar, at codon 397 of the CNGB1 protein (p.Pro397Thr). The frequency data for this variant in the population databases is considered unreliable, as metrics indicate poor data quality at this position in the gnomAD database. This variant has not been reported in the literature in individuals affected with CNGB1-related conditions. ClinVar contains an entry for this variant (Variation ID: 940338). In summary, the available evidence is currently insufficient to determine the role of this variant in disease. Therefore, it has been classified as a Variant of Uncertain Significance.

Blueprint Genetics
Classification: Uncertain significance. Last evaluated: 2021-03-27. Review status: criteria provided, single submitter. Criteria: ACMG Guidelines, 2015. Collection method: clinical testing. Allele origin: germline.

NM_001297.5(CNGB1):c.1189C>A (p.Pro397Thr)

Gene: CNGB1 (cyclic nucleotide gated channel subunit beta 1; minus strand). Cytogenetic location: 16q21.
Variant type: single nucleotide variant.
Coding change: c.1189C>A on transcript NM_001297.5 (MANE Select); coding-DNA position 1189, C replaced by A.
Protein change: p.Pro397Thr; replaces proline 397 with threonine.
Molecular consequence: missense variant.
Genome position (GRCh38, 1-based): chr16:57,940,254, G>T on the plus strand (C>A on the coding strand, the complement: CNGB1 is on the minus strand). VCF-style: chr16-57940254-G-T. GRCh37 (hg19) VCF-style: chr16-57974158-G-T.
Other names: c.1171C>A, p.Pro391Thr (NM_001286130.2); short protein forms P397T, P391T.
Identifiers: ClinVar variation 940338 (VCV000940338.9), dbSNP rs61742504, ClinGen allele CA8083513.